The following is an entry in ClinVar:

ClinVar aggregate classification (germline): Uncertain significance (1 of 4 stars; one submission).

Submission:

GeneDx
Classification: Uncertain significance. Last evaluated: 2026-03-26. Review status: criteria provided, single submitter. Criteria: GeneDx Variant Classification Process June 2021. Collection method: clinical testing. Allele origin: germline.
Comment: Not observed at significant frequency in large population cohorts (gnomAD); In silico analysis suggests that this missense variant does not alter protein structure/function; Has not been previously published as pathogenic or benign to our knowledge.

NM_015215.4(CAMTA1):c.921C>A (p.Asp307Glu)

Gene: CAMTA1 (calmodulin binding transcription activator 1; plus strand). Cytogenetic location: 1p36.23.
Variant type: single nucleotide variant.
Coding change: c.921C>A on transcript NM_015215.4 (MANE Select); coding-DNA position 921, C replaced by A.
Protein change: p.Asp307Glu; replaces aspartic acid 307 with glutamic acid.
Molecular consequence: missense variant.
Genome position (GRCh38, 1-based): chr1:7,663,468, C>A. VCF-style: chr1-7663468-C-A. GRCh37 (hg19) VCF-style: chr1-7723528-C-A.
Other names: c.849C>A, p.Asp283Glu (NM_001410738.1); c.921C>A, p.Asp307Glu (NM_001349610.2, NM_001410737.1, NM_001349609.2); c.831C>A, p.Asp277Glu (NM_001349612.2, NM_001349608.2); short protein forms D277E, D283E, D307E.
Identifiers: ClinVar variation 5017203 (VCV005017203.1).